The following is an entry in ClinVar:

NM_001105203.2(RUSC1):c.1086G>A (p.Ser362=)

Genes: RUSC1 (RUN and SH3 domain containing 1; plus strand), RUSC1-AS1 (RUSC1 antisense RNA 1; minus strand). Cytogenetic location: 1q22.
Variant type: single nucleotide variant.
Coding change: c.1086G>A on transcript NM_001105203.2 (MANE Select); coding-DNA position 1086, G replaced by A.
Protein change: p.Ser362=; no amino-acid change (serine 362 retained).
Molecular consequence: synonymous variant.
Genome position (GRCh38, 1-based): chr1:155,322,859, G>A. VCF-style: chr1-155322859-G-A. GRCh37 (hg19) VCF-style: chr1-155292650-G-A.
Other names: c.1086G>A, p.Ser362= (NM_001105204.2).
Identifiers: ClinVar variation 2639403 (VCV002639403.24), dbSNP rs201580824, ClinGen allele CA1145296.

ClinVar aggregate classification (germline): Likely benign (1 of 4 stars; one submission).

Allele frequency attached by ClinVar (database versions not stated): ExAC 0.00044; ESP Exome Variant Server 0.00103; 1000 Genomes Project 0.00160; 1000 Genomes Project 30x 0.00203.
gnomAD v4.1: 357 of 1,612,846 alleles (0.022%); highest among the groups gnomAD compares: African/African-American, 0.41%; 1 homozygote.

Submission:

CeGaT Center for Human Genetics Tuebingen
Classification: Likely benign. Last evaluated: 2022-09-01. Review status: criteria provided, single submitter. Criteria: CeGaT Center For Human Genetics Tuebingen Variant Classification Criteria Version 2. Collection method: clinical testing. Allele origin: germline. Affected: yes. Observed: 1 variant allele.
Comment: RUSC1: BP4, BP7